The following is an entry in ClinVar:

ClinVar aggregate classification (germline): Uncertain significance (1 of 4 stars; one submission).

Submission:

Labcorp Genetics (formerly Invitae), Labcorp
Classification: Uncertain significance. Last evaluated: 2023-07-12. Review status: criteria provided, single submitter. Criteria: Invitae Variant Classification Sherloc (09022015). Collection method: clinical testing. Allele origin: germline.
Comment: This variant is not present in population databases (gnomAD no frequency). In summary, the available evidence is currently insufficient to determine the role of this variant in disease. Therefore, it has been classified as a Variant of Uncertain Significance. Advanced modeling of protein sequence and biophysical properties (such as structural, functional, and spatial information, amino acid conservation, physicochemical variation, residue mobility, and thermodynamic stability) performed at Invitae indicates that this missense variant is not expected to disrupt KLHL9 protein function. This variant has not been reported in the literature in individuals affected with KLHL9-related conditions. This sequence change replaces lysine, which is basic and polar, with glutamic acid, which is acidic and polar, at codon 142 of the KLHL9 protein (p.Lys142Glu).

NM_018847.4(KLHL9):c.424A>G (p.Lys142Glu)

Gene: KLHL9 (kelch like family member 9; minus strand). Cytogenetic location: 9p21.3.
Variant type: single nucleotide variant.
Coding change: c.424A>G on transcript NM_018847.4 (MANE Select); coding-DNA position 424, A replaced by G.
Protein change: p.Lys142Glu; replaces lysine 142 with glutamic acid.
Molecular consequence: missense variant.
Genome position (GRCh38, 1-based): chr9:21,334,436, T>C on the plus strand (A>G on the coding strand, the complement: KLHL9 is on the minus strand). VCF-style: chr9-21334436-T-C. GRCh37 (hg19) VCF-style: chr9-21334435-T-C.
Other names: short protein forms K142E.
Identifiers: ClinVar variation 2895932 (VCV002895932.3), dbSNP rs2537382123, ClinGen allele CA373073083.
Genomic context (GRCh38, chr9:21,334,436, plus strand): 5'-TAGCAATTCGTCCAACCTCAACACAGTTATCCAAAGAGACTCCTGATATAAGAAATACTT[T>C]ACAGAAATCCAAAACGGGTAATATTTGTAAAAAGCTAGCAGCTTCAAGTGTGTCCTGAAG-3'
Protein context (NP_061335.1, residues 132-152): LQILPVLDFC[Lys142Glu]VFLISGVSLD